The following is an entry in ClinVar:

ClinVar aggregate classification (germline): Uncertain significance. Review status: criteria provided, multiple submitters, no conflicts (2 of 4 stars). 4 submissions from 4 submitters: Uncertain significance (3). 1 of the submissions does not count toward it. Last evaluated 2024-05-08.

Conditions:
Medulloblastoma (MDB). Also called: MEDULLOBLASTOMA PREDISPOSITION SYNDROME; Medulloblastoma, somatic. Identifiers: Orphanet 616, MedGen C0025149, MeSH D008527, MONDO:0007959, OMIM 155255, HP:0002885.
Familial dysautonomia. Also called: FD; HSAN III. Identifiers: Orphanet 1764, MedGen C0013364, MONDO:0009131, OMIM 223900. Disease mechanism: loss of function.

Allele frequency attached by ClinVar (database versions not stated): gnomAD exomes below 0.00001; gnomAD 0.00001; ExAC 0.00002.
gnomAD v4.1: 8 of 1,613,966 alleles (0.0005%); highest among the groups gnomAD compares: African/African-American, 0.0027%; no homozygotes.

Submissions (4):

Fulgent Genetics
Classification: Uncertain significance for Medulloblastoma; Familial dysautonomia. Last evaluated: 2024-05-08. Review status: criteria provided, single submitter. Criteria: ACMG Guidelines, 2015. Collection method: clinical testing. Allele origin: germline.

Ambry Genetics
Classification: Uncertain significance. Last evaluated: 2023-11-06. Review status: criteria provided, single submitter. Criteria: Ambry Variant Classification Scheme 2023. Collection method: clinical testing. Allele origin: germline.

GeneDx
Classification: Uncertain significance. Last evaluated: 2016-04-12. Review status: criteria provided, single submitter. Criteria: GeneDx Variant Classification (06012015). Collection method: clinical testing. Allele origin: germline. Affected: yes.
Comment: The R689W variant has not been published as a pathogenic variant, nor has it been reported as a benign variant to our knowledge. However, a different missense variant at the same position (R689Q) has been reported previously in an individual with hereditary sensory neuropathy (Antoniadi et al., 2015). The R689W variant was not observed in approximately 6,500 individuals of European and African American ancestry in the NHLBI Exome Sequencing Project, indicating it is not a common benign variant in these populations. The R689W variant is a non-conservative amino acid substitution, which is likely to impact secondary protein structure as these residues differ in polarity, charge, size, and/or other properties. This substitution occurs at a position that is conserved across species, and in silico analysis predicts this variant is probably damaging to the protein structure/function. Therefore, based on the currently available information, it is unclear whether this variant is a pathogenic variant or a rare benign variant.

Natera, Inc.
Classification: Uncertain significance for Hereditary sensory and autonomic neuropathy type III. Last evaluated: 2020-01-24. Review status: no assertion criteria provided. Collection method: clinical testing. Allele origin: germline. Not counted in ClinVar's aggregate classification.

NM_003640.5(ELP1):c.2065C>T (p.Arg689Trp)

Gene: ELP1 (elongator acetyltransferase complex subunit 1; minus strand). Cytogenetic location: 9q31.3.
Variant type: single nucleotide variant.
Coding change: c.2065C>T on transcript NM_003640.5 (MANE Select); coding-DNA position 2065, C replaced by T.
Protein change: p.Arg689Trp; replaces arginine 689 with tryptophan.
Molecular consequence: missense variant.
Genome position (GRCh38, 1-based): chr9:108,900,325, G>A on the plus strand (C>T on the coding strand, the complement: ELP1 is on the minus strand). VCF-style: chr9-108900325-G-A. GRCh37 (hg19) VCF-style: chr9-111662605-G-A.
Other names: c.2065C>T (LRG_251t1); c.1723C>T, p.Arg575Trp (NM_001318360.2); c.1018C>T, p.Arg340Trp (NM_001330749.2); short protein forms R689W, R340W, R575W.
Identifiers: ClinVar variation 246551 (VCV000246551.6), dbSNP rs201390288, ClinGen allele CA5174787.
Genomic context (GRCh38, chr9:108,900,325, plus strand): 5'-ATACAAGCTTTGTGTCCTGGGGCACAACAGTGACAATCCGTGAACCCCTCTCCACTTTCC[G>A]CAGAACTTCCCCATGGGACACATGATTGCTGCTCAGGCCGGCCTGTAATGCTAAACACAC-3'
Protein context (NP_003631.2, residues 679-699): SNHVSHGEVL[Arg689Trp]KVERGSRIVT